The following is an entry in ClinVar:

ClinVar aggregate classification (germline): Uncertain significance (1 of 4 stars; one submission).

Conditions:
Early Myoclonic Encephalopathy. Identifiers: MedGen C0270855.

Allele frequency attached by ClinVar (database versions not stated): gnomAD exomes below 0.00001.
gnomAD v4.1: 1 of 1,614,124 alleles (0.000062%); highest among the groups gnomAD compares: Non-Finnish European, 0.000085%; no homozygotes.

Submission:

Labcorp Genetics (formerly Invitae), Labcorp
Classification: Uncertain significance for Early myoclonic encephalopathy. Last evaluated: 2019-04-19. Review status: criteria provided, single submitter. Criteria: Invitae Variant Classification Sherloc (09022015). Collection method: clinical testing. Allele origin: germline.
Comment: This sequence change replaces asparagine with lysine at codon 1048 of the JMJD1C protein (p.Asn1048Lys). The asparagine residue is moderately conserved and there is a moderate physicochemical difference between asparagine and lysine. This variant is not present in population databases (ExAC no frequency). This variant has not been reported in the literature in individuals with JMJD1C-related conditions. Algorithms developed to predict the effect of missense changes on protein structure and function are either unavailable or do not agree on the potential impact of this missense change (SIFT: "Deleterious"; PolyPhen-2: "Benign"; Align-GVGD: "Class C0"). In summary, the available evidence is currently insufficient to determine the role of this variant in disease. Therefore, it has been classified as a Variant of Uncertain Significance.

NM_032776.3(JMJD1C):c.3144T>G (p.Asn1048Lys)

Gene: JMJD1C (jumonji domain containing 1C; minus strand). Cytogenetic location: 10q21.3.
Variant type: single nucleotide variant.
Coding change: c.3144T>G on transcript NM_032776.3 (MANE Select); coding-DNA position 3144, T replaced by G.
Protein change: p.Asn1048Lys; replaces asparagine 1048 with lysine.
Molecular consequence: missense variant. On other transcripts: non-coding transcript variant (1).
Genome position (GRCh38, 1-based): chr10:63,208,525, A>C on the plus strand (T>G on the coding strand, the complement: JMJD1C is on the minus strand). VCF-style: chr10-63208525-A-C. GRCh37 (hg19) VCF-style: chr10-64968285-A-C.
Other names: c.2598T>G, p.Asn866Lys (NM_001282948.2, NM_001318154.2); c.2280T>G, p.Asn760Lys (NM_001318153.2); c.3030T>G, p.Asn1010Lys (NM_001322252.2); c.2487T>G, p.Asn829Lys (NM_001322254.2, NM_001322258.2); short protein forms N1010K, N1048K, N829K, N866K, N760K.
Identifiers: ClinVar variation 950009 (VCV000950009.1), dbSNP rs1846936284, ClinGen allele CA377042743.